The following is an entry in ClinVar:

ClinVar aggregate classification (germline): Uncertain significance (1 of 4 stars; one submission).

Submission:

GeneDx
Classification: Uncertain significance. Last evaluated: 2026-03-03. Review status: criteria provided, single submitter. Criteria: GeneDx Variant Classification Process June 2021. Collection method: clinical testing. Allele origin: germline.
Comment: In-frame duplication of 2 amino acid(s) in a non-repeat region; Has not been previously published as pathogenic or benign to our knowledge

NM_201599.3(ZMYM3):c.692_697dup (p.Glu232_Lys233insSerGlu)

Gene: ZMYM3 (zinc finger MYM-type containing 3; minus strand). Cytogenetic location: Xq13.1.
Variant type: Duplication.
Coding change: c.692_697dup on transcript NM_201599.3 (MANE Select); coding-DNA positions 692 to 697, 6 bases duplicated (GTGAGA; older notation c.692_697dupGTGAGA).
Protein change: p.Glu232_Lys233insSerGlu.
Molecular consequence: inframe insertion.
Genome position (GRCh38, 1-based): chrX:71,251,572-71,251,577, TCTCAC duplicated on the plus strand (GTGAGA on the coding strand, the reverse complement: ZMYM3 is on the minus strand); duplicating any 6 consecutive bases within chrX:71,251,572-71,251,579 gives the same sequence; the c. name uses the placement nearest the transcript's 3' end. VCF-style (leftmost placement, unchanged base first): chrX-71251571-T-TTCTCAC. GRCh37 (hg19) VCF-style: chrX-70471421-T-TTCTCAC.
Other names: c.692_697dup, p.Glu232_Lys233insSerGlu (NM_001171162.1, NM_001171163.1, NM_005096.3).
Identifiers: ClinVar variation 5008473 (VCV005008473.1).